The following is an entry in ClinVar:

ClinVar aggregate classification (germline): Pathogenic (1 of 4 stars; one submission).

Conditions:
Mosaic variegated aneuploidy syndrome 2 (MVA2). Identifiers: Orphanet 1052, MedGen C3279843, MONDO:0013582, OMIM 614114.

Submission:

Labcorp Genetics (formerly Invitae), Labcorp
Classification: Pathogenic for Mosaic variegated aneuploidy syndrome 2. Last evaluated: 2020-08-04. Review status: criteria provided, single submitter. Criteria: Invitae Variant Classification Sherloc (09022015). Collection method: clinical testing. Allele origin: germline.
Comment: This variant has not been reported in the literature in individuals with CEP57-related conditions. For these reasons, this variant has been classified as Pathogenic. Loss-of-function variants in CEP57 are known to be pathogenic (PMID: 21552266, 24259107). Algorithms developed to predict the effect of sequence changes on RNA splicing suggest that this variant may create or strengthen a splice site, but this prediction has not been confirmed by published transcriptional studies. This variant is not present in population databases (ExAC no frequency). This sequence change creates a premature translational stop signal (p.Gln373*) in the CEP57 gene. It is expected to result in an absent or disrupted protein product.

Literature cited by the submitters: PubMed 21552266; PubMed 24259107.

NM_014679.5(CEP57):c.1117C>T (p.Gln373Ter)

Gene: CEP57 (centrosomal protein 57; plus strand). Cytogenetic location: 11q21.
Variant type: single nucleotide variant.
Coding change: c.1117C>T on transcript NM_014679.5 (MANE Select); coding-DNA position 1117, C replaced by T.
Protein change: p.Gln373Ter; replaces glutamine 373 with a stop codon.
Molecular consequence: nonsense.
Genome position (GRCh38, 1-based): chr11:95,828,017, C>T. VCF-style: chr11-95828017-C-T. GRCh37 (hg19) VCF-style: chr11-95561181-C-T.
Other names: c.1090C>T, p.Gln364Ter (NM_001243776.2); c.1039C>T, p.Gln347Ter (NM_001243777.2); c.1036C>T, p.Gln346Ter (NM_001363604.2); short protein forms Q373*, Q346*, Q347*, Q364*.
Identifiers: ClinVar variation 574305 (VCV000574305.6), dbSNP rs1565334264, ClinGen allele CA382408601.
Genomic context (GRCh38, chr11:95,828,017, plus strand): 5'-TCCAACGGTATTAATGAGGAGTTGTCAGAAGTCTTACAGACTTTACAGGATGAATTTGGG[C>T]AAATGAGCTTGTGAGTTTTTGTTTTTTTTTTTAAATTCAGTTTAGCTCTAAAACCTCATT-3'